The following is an entry in ClinVar:

NM_001032.5(RPS29):c.162+3A>G

Gene: RPS29 (ribosomal protein S29; minus strand). Cytogenetic location: 14q21.3.
Variant type: single nucleotide variant.
Coding change: c.162+3A>G on transcript NM_001032.5 (MANE Select); 3 bases into the intron after coding-DNA position 162, A replaced by G.
Molecular consequence: intron variant.
Genome position (GRCh38, 1-based): chr14:49,585,947, T>C on the plus strand (A>G on the coding strand, the complement: RPS29 is on the minus strand). VCF-style: chr14-49585947-T-C. GRCh37 (hg19) VCF-style: chr14-50052665-T-C.
Other names: c.162+3A>G (NM_001030001.4); c.153+3A>G (NM_001351375.2).
Identifiers: ClinVar variation 1434119 (VCV001434119.6), dbSNP rs1204477580, ClinGen allele CA614277362.

ClinVar aggregate classification (germline): Uncertain significance (1 of 4 stars; one submission).

Allele frequency attached by ClinVar (database versions not stated): gnomAD exomes below 0.00001; gnomAD 0.00001; TOPMed 0.00001.
gnomAD v4.1: 7 of 1,611,770 alleles (0.00043%); highest among the groups gnomAD compares: African/African-American, 0.0013%; no homozygotes.

Submission:

Labcorp Genetics (formerly Invitae), Labcorp
Classification: Uncertain significance. Last evaluated: 2022-06-20. Review status: criteria provided, single submitter. Criteria: Invitae Variant Classification Sherloc (09022015). Collection method: clinical testing. Allele origin: germline.
Comment: This variant has not been reported in the literature in individuals affected with RPS29-related conditions. This variant is present in population databases (no rsID available, gnomAD 0.007%). This sequence change falls in intron 2 of the RPS29 gene. It does not directly change the encoded amino acid sequence of the RPS29 protein. It affects a nucleotide within the consensus splice site. Variants that disrupt the consensus splice site are a relatively common cause of aberrant splicing (PMID: 17576681, 9536098). Algorithms developed to predict the effect of sequence changes on RNA splicing suggest that this variant is not likely to affect RNA splicing. In summary, the available evidence is currently insufficient to determine the role of this variant in disease. Therefore, it has been classified as a Variant of Uncertain Significance.

Literature cited by the submitters: PubMed 17576681; PubMed 9536098.